The following is an entry in ClinVar:

NM_004859.4(CLTC):c.1644G>C (p.Gln548His)

Gene: CLTC (clathrin heavy chain; plus strand). Cytogenetic location: 17q23.1.
Variant type: single nucleotide variant.
Coding change: c.1644G>C on transcript NM_004859.4 (MANE Select); coding-DNA position 1644, G replaced by C.
Protein change: p.Gln548His; replaces glutamine 548 with histidine.
Molecular consequence: missense variant.
Genome position (GRCh38, 1-based): chr17:59,664,909, G>C. VCF-style: chr17-59664909-G-C. GRCh37 (hg19) VCF-style: chr17-57742270-G-C.
Other names: c.1656G>C, p.Gln552His (NM_001288653.2); short protein forms Q548H, Q552H.
Identifiers: ClinVar variation 4070655 (VCV004070655.2).

ClinVar aggregate classification (germline): Uncertain significance (1 of 4 stars; one submission).

Submission:

GeneDx
Classification: Uncertain significance. Last evaluated: 2026-02-05. Review status: criteria provided, single submitter. Criteria: GeneDx Variant Classification Process June 2021. Collection method: clinical testing. Allele origin: germline.
Comment: Not observed at significant frequency in large population cohorts (gnomAD); In silico analysis suggests that this missense variant does not alter protein structure/function; Has not been previously published as pathogenic or benign to our knowledge; In silico analysis is inconclusive as to whether the variant alters gene splicing. In the absence of RNA/functional studies, the actual effect of this sequence change is unknown.